The following is an entry in ClinVar:

ClinVar aggregate classification (germline): Uncertain significance. Review status: criteria provided, multiple submitters, no conflicts (2 of 4 stars). 2 submissions from 2 submitters: Uncertain significance (2). Last evaluated 2025-01-01.

gnomAD v4.1: 60 of 1,614,062 alleles (0.0037%); highest among the groups gnomAD compares: African/African-American, 0.016%; 1 homozygote.

Submissions (2):

Labcorp Genetics (formerly Invitae), Labcorp
Classification: Uncertain significance. Last evaluated: 2025-01-01. Review status: criteria provided, single submitter. Criteria: Invitae Variant Classification Sherloc (09022015). Collection method: clinical testing. Allele origin: germline.
Comment: This sequence change replaces arginine, which is basic and polar, with histidine, which is basic and polar, at codon 2459 of the DNAH9 protein (p.Arg2459His). This variant is present in population databases (rs762156853, gnomAD 0.03%). This variant has not been reported in the literature in individuals affected with DNAH9-related conditions. Invitae Evidence Modeling of protein sequence and biophysical properties (such as structural, functional, and spatial information, amino acid conservation, physicochemical variation, residue mobility, and thermodynamic stability) indicates that this missense variant is not expected to disrupt DNAH9 protein function with a negative predictive value of 80%. In summary, the available evidence is currently insufficient to determine the role of this variant in disease. Therefore, it has been classified as a Variant of Uncertain Significance.

GeneDx
Classification: Uncertain significance. Last evaluated: 2024-01-23. Review status: criteria provided, single submitter. Criteria: GeneDx Variant Classification Process June 2021. Collection method: clinical testing. Allele origin: germline. Affected: yes.
Comment: In silico analysis supports that this missense variant has a deleterious effect on protein structure/function; Has not been previously published as pathogenic or benign to our knowledge

NM_001372.4(DNAH9):c.7376G>A (p.Arg2459His)

Gene: DNAH9 (dynein axonemal heavy chain 9; plus strand). Cytogenetic location: 17p12.
Variant type: single nucleotide variant.
Coding change: c.7376G>A on transcript NM_001372.4 (MANE Select); coding-DNA position 7376, G replaced by A.
Protein change: p.Arg2459His; replaces arginine 2459 with histidine.
Molecular consequence: missense variant.
Genome position (GRCh38, 1-based): chr17:11,769,153, G>A. VCF-style: chr17-11769153-G-A. GRCh37 (hg19) VCF-style: chr17-11672470-G-A.
Other names: short protein forms R2459H.
Identifiers: ClinVar variation 3342442 (VCV003342442.3).